The following is an entry in ClinVar:

NM_015450.3(POT1):c.1777C>G (p.Pro593Ala)

Gene: POT1 (protection of telomeres 1; minus strand). Cytogenetic location: 7q31.33.
Variant type: single nucleotide variant.
Coding change: c.1777C>G on transcript NM_015450.3 (MANE Select); coding-DNA position 1777, C replaced by G.
Protein change: p.Pro593Ala; replaces proline 593 with alanine.
Molecular consequence: missense variant. On other transcripts: non-coding transcript variant (3).
Genome position (GRCh38, 1-based): chr7:124,825,267, G>C on the plus strand (C>G on the coding strand, the complement: POT1 is on the minus strand). VCF-style: chr7-124825267-G-C. GRCh37 (hg19) VCF-style: chr7-124465321-G-C.
Other names: c.1384C>G, p.Pro462Ala (NM_001042594.2); short protein forms P593A, P462A.
Identifiers: ClinVar variation 3423129 (VCV003423129.2).
Genomic context (GRCh38, chr7:124,825,267, plus strand): 5'-TCTCAAGTAAAAGAAGTGTGGGATTGTTAAAATATTCTTGCCTACCAATTTTTATTCCTG[G>C]AGGACAAAACATATCCATGATCATATCCACACTTTTCTGAAGGTCATCATCCATCAGAAC-3'
Protein context (NP_056265.2, residues 583-603): VDMIMDMFCP[Pro593Ala]GIKIDAYPWL

ClinVar aggregate classification (germline): Uncertain significance. Review status: criteria provided, multiple submitters, no conflicts (2 of 4 stars). 2 submissions from 2 submitters: Uncertain significance (2). Last evaluated 2025-09-13.

Conditions:
Tumor predisposition syndrome 3 (TPDS3). Also called: Melanoma, cutaneous malignant, susceptibility to, 10; Glioma susceptibility 9; LONG TELOMERE SYNDROME, POT1-RELATED; POT1 Tumor Predisposition. Identifiers: Orphanet 618, MedGen C4014476, MONDO:0014368, OMIM 615848.
Hereditary cancer-predisposing syndrome. Also called: Tumor predisposition; Hereditary Cancer Syndrome; Hereditary neoplastic syndrome; Neoplastic Syndromes, Hereditary. Identifiers: Orphanet 140162, MedGen C0027672, MeSH D009386, MONDO:0015356.

Submissions (2):

Labcorp Genetics (formerly Invitae), Labcorp
Classification: Uncertain significance for Tumor predisposition syndrome 3. Last evaluated: 2025-09-13. Review status: criteria provided, single submitter. Criteria: Invitae Variant Classification Sherloc (09022015). Collection method: clinical testing. Allele origin: germline.
Comment: This sequence change replaces proline, which is neutral and non-polar, with alanine, which is neutral and non-polar, at codon 593 of the POT1 protein (p.Pro593Ala). This variant is not present in population databases (gnomAD no frequency). This variant has not been reported in the literature in individuals affected with POT1-related conditions. ClinVar contains an entry for this variant (Variation ID: 3423129). Invitae Evidence Modeling of protein sequence and biophysical properties (such as structural, functional, and spatial information, amino acid conservation, physicochemical variation, residue mobility, and thermodynamic stability) indicates that this missense variant is not expected to disrupt POT1 protein function with a negative predictive value of 80%. In summary, the available evidence is currently insufficient to determine the role of this variant in disease. Therefore, it has been classified as a Variant of Uncertain Significance.

Ambry Genetics
Classification: Uncertain significance for Hereditary cancer-predisposing syndrome. Last evaluated: 2024-09-18. Review status: criteria provided, single submitter. Criteria: Ambry Variant Classification Scheme 2023. Collection method: clinical testing. Allele origin: germline.
Comment: The p.P593A variant (also known as c.1777C>G), located in coding exon 14 of the POT1 gene, results from a C to G substitution at nucleotide position 1777. The proline at codon 593 is replaced by alanine, an amino acid with highly similar properties. This amino acid position is conserved. In addition, this alteration is predicted to be tolerated by in silico analysis. Based on the available evidence, the clinical significance of this variant remains unclear.